The following is an entry in ClinVar:

NC_000014.8:g.(?_63174226)_(63511904_?)del

Gene: KCNH5 (potassium voltage-gated channel subfamily H member 5; minus strand). Cytogenetic location: 14q23.2.
Variant type: Deletion.
Identifiers: ClinVar variation 3243963 (VCV003243963.1).

ClinVar aggregate classification (germline): Uncertain significance (1 of 4 stars; one submission).

Conditions:
Developmental and epileptic encephalopathy. Identifiers: MedGen C5779964, MONDO:0100620.

Submission:

Labcorp Genetics (formerly Invitae), Labcorp
Classification: Uncertain significance for Early-infantile DEE. Last evaluated: 2023-09-22. Review status: criteria provided, single submitter. Criteria: Invitae Variant Classification Sherloc (09022015). Collection method: clinical testing. Allele origin: unknown.
Comment: In summary, the available evidence is currently insufficient to determine the role of this variant in disease. Therefore, it has been classified as a Variant of Uncertain Significance. This variant has not been reported in the literature in individuals affected with KCNH5-related conditions. A gross deletion of the genomic region encompassing the full coding sequence of the KCNH5 gene has been identified. The current clinical and genetic evidence is not sufficient to establish whether loss-of-function variants in KCNH5 cause disease. The boundaries of this event are unknown as they extend beyond the assayed region for this gene and therefore may encompass additional genes.